The following is an entry in ClinVar:

ClinVar aggregate classification (germline): Likely benign. Review status: criteria provided, multiple submitters, no conflicts (2 of 4 stars). 2 submissions from 2 submitters: Likely benign (2). Last evaluated 2025-11-19.

Conditions:
Hereditary spastic paraplegia 7 (SPG7). Also called: Spastic paraplegia 7; Hereditary spastic paraplegia Paraplegin type; SPG7-related neurologic disorder; Autosomal recessive spastic paraplegia type 7; SPASTIC PARAPLEGIA 7, AUTOSOMAL RECESSIVE, WITH OR WITHOUT CEREBELLAR ATAXIA. Identifiers: Orphanet 99013, MedGen C1846564, MONDO:0011803, OMIM 607259.

Allele frequency attached by ClinVar (database versions not stated): gnomAD 0.00019 and 0.00015; ESP Exome Variant Server 0.00031; TOPMed 0.00031; gnomAD exomes 0.00010 and 0.00012; ExAC 0.00017.
gnomAD v4.1: 172 of 1,599,476 alleles (0.011%); highest among the groups gnomAD compares: South Asian, 0.019%; no homozygotes.

Submissions (2):

Labcorp Genetics (formerly Invitae), Labcorp
Classification: Likely benign for Hereditary spastic paraplegia 7. Last evaluated: 2025-11-19. Review status: criteria provided, single submitter. Criteria: Invitae Variant Classification Sherloc (09022015). Collection method: clinical testing. Allele origin: germline.

GeneDx
Classification: Likely benign. Last evaluated: 2018-03-08. Review status: criteria provided, single submitter. Criteria: GeneDx Variant Classification (06012015). Collection method: clinical testing. Allele origin: germline. Affected: yes.
Comment: This variant is considered likely benign or benign based on one or more of the following criteria: it is a conservative change, it occurs at a poorly conserved position in the protein, it is predicted to be benign by multiple in silico algorithms, and/or has population frequency not consistent with disease.

NM_003119.4(SPG7):c.2182-18T>C

Gene: SPG7 (SPG7 matrix AAA peptidase subunit, paraplegin; plus strand). Cytogenetic location: 16q24.3.
Variant type: single nucleotide variant.
Coding change: c.2182-18T>C on transcript NM_003119.4 (MANE Select); 18 bases into the intron before coding-DNA position 2182, T replaced by C.
Molecular consequence: intron variant.
Genome position (GRCh38, 1-based): chr16:89,556,869, T>C. VCF-style: chr16-89556869-T-C. GRCh37 (hg19) VCF-style: chr16-89623277-T-C.
Other names: c.2390-18T>C (NM_001363850.1).
Identifiers: ClinVar variation 389370 (VCV000389370.8), dbSNP rs374106302, ClinGen allele CA8244613.